The following is an entry in ClinVar:

ClinVar aggregate classification (germline): Uncertain significance (1 of 4 stars; one submission).

gnomAD v4.1: 4 of 1,484,436 alleles (0.00027%); highest among the groups gnomAD compares: African/African-American, 0.0029%; no homozygotes.

Submission:

Ambry Genetics
Classification: Uncertain significance. Last evaluated: 2025-02-08. Review status: criteria provided, single submitter. Criteria: Ambry Variant Classification Scheme 2023. Collection method: clinical testing. Allele origin: germline.
Comment: The c.38C>T (p.A13V) alteration is located in exon (coding exon ) of the SH3RF3 gene. This alteration results from a C to T substitution at nucleotide position 38, causing the alanine (A) at amino acid position 13 to be replaced by a valine (V). Based on insufficient or conflicting evidence, the clinical significance of this alteration remains unclear.

NM_001099289.3(SH3RF3):c.38C>T (p.Ala13Val)

Genes: RANBP2 (RAN binding protein 2; plus strand), SH3RF3 (SH3 domain containing ring finger 3; plus strand), SH3RF3-AS1 (SH3RF3 antisense RNA 1; minus strand). Cytogenetic location: 2q13.
Variant type: single nucleotide variant.
Coding change: c.38C>T on transcript NM_001099289.3 (MANE Select); coding-DNA position 38, C replaced by T.
Protein change: p.Ala13Val; replaces alanine 13 with valine.
Molecular consequence: missense variant. On other transcripts: non-coding transcript variant (1).
Genome position (GRCh38, 1-based): chr2:109,129,578, C>T. VCF-style: chr2-109129578-C-T. GRCh37 (hg19) VCF-style: chr2-109746034-C-T.
Other names: short protein forms A13V.
Identifiers: ClinVar variation 3795449 (VCV003795449.1).